The following is an entry in ClinVar:

ClinVar aggregate classification (germline): Uncertain significance (1 of 4 stars; one submission).

Submission:

Labcorp Genetics (formerly Invitae), Labcorp
Classification: Uncertain significance. Last evaluated: 2021-08-24. Review status: criteria provided, single submitter. Criteria: Invitae Variant Classification Sherloc (09022015). Collection method: clinical testing. Allele origin: germline.
Comment: This sequence change replaces lysine with arginine at codon 400 of the DNAAF4 protein (p.Lys400Arg). The lysine residue is moderately conserved and there is a small physicochemical difference between lysine and arginine. This variant is not present in population databases (ExAC no frequency). This variant has not been reported in the literature in individuals affected with DNAAF4-related conditions. Algorithms developed to predict the effect of missense changes on protein structure and function output the following: SIFT: "Tolerated"; PolyPhen-2: "Benign"; Align-GVGD: "Class C0". The arginine amino acid residue is found in multiple mammalian species, which suggests that this missense change does not adversely affect protein function. Algorithms developed to predict the effect of sequence changes on RNA splicing suggest that this variant may create or strengthen a splice site. In summary, the available evidence is currently insufficient to determine the role of this variant in disease. Therefore, it has been classified as a Variant of Uncertain Significance.

NM_130810.4(DNAAF4):c.1199A>G (p.Lys400Arg)

Genes: DNAAF4 (dynein axonemal assembly factor 4; minus strand), DNAAF4-CCPG1 (DNAAF4-CCPG1 readthrough (NMD candidate); minus strand). Cytogenetic location: 15q21.3.
Variant type: single nucleotide variant.
Coding change: c.1199A>G on transcript NM_130810.4 (MANE Select); coding-DNA position 1199, A replaced by G.
Protein change: p.Lys400Arg; replaces lysine 400 with arginine.
Molecular consequence: missense variant. On other transcripts: intron variant (1).
Genome position (GRCh38, 1-based): chr15:55,430,734, T>C on the plus strand (A>G on the coding strand, the complement: DNAAF4 is on the minus strand). VCF-style: chr15-55430734-T-C. GRCh37 (hg19) VCF-style: chr15-55722932-T-C.
Other names: c.1093A>G, p.Lys365Glu (NM_001033559.3); c.1047+4171A>G (NM_001033560.2); short protein forms K365E, K400R.
Identifiers: ClinVar variation 1395039 (VCV001395039.5), dbSNP rs763437062, ClinGen allele CA392546710.